The following is an entry in ClinVar:

NM_004373.4(COX6A1):c.310A>G (p.Thr104Ala)

Gene: COX6A1 (cytochrome c oxidase subunit 6A1; plus strand). Cytogenetic location: 12q24.31.
Variant type: single nucleotide variant.
Coding change: c.310A>G on transcript NM_004373.4 (MANE Select); coding-DNA position 310, A replaced by G.
Protein change: p.Thr104Ala; replaces threonine 104 with alanine.
Molecular consequence: missense variant.
Genome position (GRCh38, 1-based): chr12:120,440,517, A>G. VCF-style: chr12-120440517-A-G. GRCh37 (hg19) VCF-style: chr12-120878320-A-G.
Other names: short protein forms T104A.
Identifiers: ClinVar variation 1446739 (VCV001446739.3), dbSNP rs200936136, ClinGen allele CA6828073.

ClinVar aggregate classification (germline): Uncertain significance (1 of 4 stars; one submission).

Allele frequency attached by ClinVar (database versions not stated): gnomAD exomes 0.00002 and 0.00003; ExAC 0.00005; ESP Exome Variant Server 0.00008; gnomAD 0.00011 and 0.00013; TOPMed 0.00025; 1000 Genomes Project 0.00040; 1000 Genomes Project 30x 0.00047.
gnomAD v4.1: 48 of 1,610,738 alleles (0.003%); highest among the groups gnomAD compares: Admixed American, 0.03%; no homozygotes.

Submission:

Labcorp Genetics (formerly Invitae), Labcorp
Classification: Uncertain significance. Last evaluated: 2022-08-31. Review status: criteria provided, single submitter. Criteria: Invitae Variant Classification Sherloc (09022015). Collection method: clinical testing. Allele origin: germline.
Comment: This sequence change replaces threonine, which is neutral and polar, with alanine, which is neutral and non-polar, at codon 104 of the COX6A1 protein (p.Thr104Ala). This variant is present in population databases (rs200936136, gnomAD 0.01%). This variant has not been reported in the literature in individuals affected with COX6A1-related conditions. ClinVar contains an entry for this variant (Variation ID: 1446739). Algorithms developed to predict the effect of missense changes on protein structure and function (SIFT, PolyPhen-2, Align-GVGD) all suggest that this variant is likely to be tolerated. Algorithms developed to predict the effect of sequence changes on RNA splicing suggest that this variant may create or strengthen a splice site. In summary, the available evidence is currently insufficient to determine the role of this variant in disease. Therefore, it has been classified as a Variant of Uncertain Significance.